The following is an entry in ClinVar:

NM_001257291.2(SLC9A7):c.493A>C (p.Asn165His)

Gene: SLC9A7 (solute carrier family 9 member A7; minus strand). Cytogenetic location: Xp11.3.
Variant type: single nucleotide variant.
Coding change: c.493A>C on transcript NM_001257291.2 (MANE Select); coding-DNA position 493, A replaced by C.
Protein change: p.Asn165His; replaces asparagine 165 with histidine.
Molecular consequence: missense variant.
Genome position (GRCh38, 1-based): chrX:46,682,368, T>G on the plus strand (A>C on the coding strand, the complement: SLC9A7 is on the minus strand). VCF-style: chrX-46682368-T-G. GRCh37 (hg19) VCF-style: chrX-46541803-T-G.
Other names: c.493A>C, p.Asn165His (NM_032591.3); short protein forms N165H.
Identifiers: ClinVar variation 4851924 (VCV004851924.1).

ClinVar aggregate classification (germline): Likely benign (1 of 4 stars; one submission).

Submission:

Dasa
Classification: Likely benign. Last evaluated: 2026-01-02. Review status: criteria provided, single submitter. Criteria: DASA Assertion Criteria. Collection method: clinical testing. Allele origin: germline.
Comment: NM_001257291.2(SLC9A7):c.493A>C (p.Asn165His) is a missense variant that results in the substitution of asparagine with histidine. Multiple computational predictions suggest no deleterious effect on the gene or gene product. The variant is present at low frequency in population datasets. Based on the available data, this variant is classified as likely benign.